The following is an entry in ClinVar:

ClinVar aggregate classification (germline): Benign/Likely benign. Review status: criteria provided, multiple submitters, no conflicts (2 of 4 stars). 2 submissions from 2 submitters: Benign (1); Likely benign (1). Last evaluated 2026-01-29.

Conditions:
Succinyl-CoA acetoacetate transferase deficiency (SCOTD). Also called: 3-Oxoacid CoA Transferase Deficiency; Succinyl CoA:3-oxoacid CoA transferase deficiency; KETOACIDOSIS DUE TO SCOT DEFICIENCY; SCOT DEFICIENCY; SUCCINYL-CoA:3-KETOACID CoA-TRANSFERASE DEFICIENCY. Identifiers: Orphanet 832, MedGen C0342792, MONDO:0009492, OMIM 245050.

Allele frequency attached by ClinVar (database versions not stated): TOPMed 0.00004; 1000 Genomes Project 0.00100; 1000 Genomes Project 30x 0.00109.
gnomAD v4.1: 552 of 1,612,470 alleles (0.034%); highest among the groups gnomAD compares: South Asian, 0.55%; 5 homozygotes.

Submissions (2):

Labcorp Genetics (formerly Invitae), Labcorp
Classification: Benign for Succinyl-CoA acetoacetate transferase deficiency. Last evaluated: 2026-01-29. Review status: criteria provided, single submitter. Criteria: Invitae Variant Classification Sherloc (09022015). Collection method: clinical testing. Allele origin: germline.

Illumina Laboratory Services, Illumina
Classification: Likely benign for Succinyl-CoA acetoacetate transferase deficiency. Last evaluated: 2018-01-13. Review status: criteria provided, single submitter. Criteria: ICSL Variant Classification Criteria 13 December 2019. Collection method: clinical testing. Allele origin: germline.
Comment: This variant was observed in the ICSL laboratory as part of a predisposition screen in an ostensibly healthy population. It had not been previously curated by ICSL or reported in the Human Gene Mutation Database (HGMD: prior to June 1st, 2018), and was therefore a candidate for classification through an automated scoring system. Utilizing variant allele frequency, disease prevalence and penetrance estimates, and inheritance mode, an automated score was calculated to assess if this variant is too frequent to cause the disease. Based on the score and internal cut-off values, a variant classified as likely benign is not then subjected to further curation. The score for this variant resulted in a classification of likely benign for this disease.

NM_000436.4(OXCT1):c.1183G>A (p.Asp395Asn)

Gene: OXCT1 (3-oxoacid CoA-transferase 1; minus strand). Cytogenetic location: 5p13.1.
Variant type: single nucleotide variant.
Coding change: c.1183G>A on transcript NM_000436.4 (MANE Select); coding-DNA position 1183, G replaced by A.
Protein change: p.Asp395Asn; replaces aspartic acid 395 with asparagine.
Molecular consequence: missense variant. On other transcripts: non-coding transcript variant (1).
Genome position (GRCh38, 1-based): chr5:41,794,068, C>T on the plus strand (G>A on the coding strand, the complement: OXCT1 is on the minus strand). VCF-style: chr5-41794068-C-T. GRCh37 (hg19) VCF-style: chr5-41794170-C-T.
Other names: c.1204G>A, p.Asp402Asn (NM_001364299.2, NM_001364300.2); c.1177G>A, p.Asp393Asn (NM_001364301.2); c.1183G>A, p.Asp395Asn (NM_001364302.2); c.625G>A, p.Asp209Asn (NM_001364303.2); short protein forms D209N, D393N, D395N, D402N.
Identifiers: ClinVar variation 904236 (VCV000904236.12), dbSNP rs544345952, ClinGen allele CA3253339.